The following is an entry in ClinVar:

ClinVar aggregate classification (germline): Uncertain significance (1 of 4 stars; one submission).

Submission:

GeneDx
Classification: Uncertain significance. Last evaluated: 2024-05-01. Review status: criteria provided, single submitter. Criteria: GeneDx Variant Classification Process June 2021. Collection method: clinical testing. Allele origin: germline. Affected: yes.
Comment: Not observed at significant frequency in large population cohorts (gnomAD); Has not been previously published as pathogenic or benign to our knowledge; Nonsense variant predicted to result in protein truncation as the last 62 amino acids are lost in a gene for which loss-of-function is not an established mechanism of disease

NM_005444.3(CNOT9):c.712C>T (p.Arg238Ter)

Gene: CNOT9 (CCR4-NOT transcription complex subunit 9; plus strand). Cytogenetic location: 2q35.
Variant type: single nucleotide variant.
Coding change: c.712C>T on transcript NM_005444.3 (MANE Select); coding-DNA position 712, C replaced by T.
Protein change: p.Arg238Ter; replaces arginine 238 with a stop codon.
Molecular consequence: nonsense. On other transcripts: non-coding transcript variant (1).
Genome position (GRCh38, 1-based): chr2:218,592,688, C>T. VCF-style: chr2-218592688-C-T. GRCh37 (hg19) VCF-style: chr2-219457411-C-T.
Other names: c.808C>T, p.Arg270Ter (NM_001271634.2); c.712C>T, p.Arg238Ter (NM_001271635.2); short protein forms R238*, R270*.
Identifiers: ClinVar variation 3375964 (VCV003375964.1).